The following is an entry in ClinVar:

NM_001036.6(RYR3):c.6093G>C (p.Arg2031Ser)

Gene: RYR3 (ryanodine receptor 3; plus strand). Cytogenetic location: 15q14.
Variant type: single nucleotide variant.
Coding change: c.6093G>C on transcript NM_001036.6 (MANE Select); coding-DNA position 6093, G replaced by C.
Protein change: p.Arg2031Ser; replaces arginine 2031 with serine.
Molecular consequence: missense variant.
Genome position (GRCh38, 1-based): chr15:33,696,450, G>C. VCF-style: chr15-33696450-G-C. GRCh37 (hg19) VCF-style: chr15-33988651-G-C.
Other names: c.6093G>C, p.Arg2031Ser (NM_001243996.4); short protein forms R2031S.
Identifiers: ClinVar variation 1058701 (VCV001058701.9), dbSNP rs1596205665, ClinGen allele CA391582197.
Genomic context (GRCh38, chr15:33,696,450, plus strand): 5'-AAGCGACACCATCAACCTGCTGGCTGCCCTGGGCCAAATCCGCTCCCTCCTCAGTGTCAG[G>C]ATGGGCAAGGAAGAGGAGTTGCTCATGATCAATGGGCTGGGGTAGGTGATTCACGGTTAC-3'
Protein context (NP_001027.3, residues 2021-2041): LGQIRSLLSV[Arg2031Ser]MGKEEELLMI

ClinVar aggregate classification (germline): Uncertain significance (1 of 4 stars; one submission).

Conditions:
Epileptic encephalopathy. Identifiers: MedGen C0543888, HP:0200134.

Allele frequency attached by ClinVar (database versions not stated): gnomAD exomes below 0.00001.
gnomAD v4.1: 1 of 1,614,006 alleles (0.000062%); no homozygotes.

Submission:

Labcorp Genetics (formerly Invitae), Labcorp
Classification: Uncertain significance for Epileptic encephalopathy. Last evaluated: 2020-03-23. Review status: criteria provided, single submitter. Criteria: Invitae Variant Classification Sherloc (09022015). Collection method: clinical testing. Allele origin: germline.
Comment: In summary, the available evidence is currently insufficient to determine the role of this variant in disease. Therefore, it has been classified as a Variant of Uncertain Significance. Algorithms developed to predict the effect of missense changes on protein structure and function are either unavailable or do not agree on the potential impact of this missense change (SIFT: "Deleterious"; PolyPhen-2: "Probably Damaging"; Align-GVGD: "Class C0"). This variant has not been reported in the literature in individuals with RYR3-related conditions. This variant is not present in population databases (ExAC no frequency). This sequence change replaces arginine with serine at codon 2031 of the RYR3 protein (p.Arg2031Ser). The arginine residue is highly conserved and there is a moderate physicochemical difference between arginine and serine.